The following is an entry in ClinVar:

ClinVar aggregate classification (germline): Likely benign (1 of 4 stars; one submission).

Submission:

GeneDx
Classification: Likely benign. Last evaluated: 2016-02-18. Review status: criteria provided, single submitter. Criteria: GeneDx Variant Classification (06012015). Collection method: clinical testing. Allele origin: germline. Affected: yes.
Comment: This variant is considered likely benign or benign based on one or more of the following criteria: it is a conservative change, it occurs at a poorly conserved position in the protein, it is predicted to be benign by multiple in silico algorithms, and/or has population frequency not consistent with disease.

NM_002294.3(LAMP2):c.1093+17C>T

Gene: LAMP2 (lysosomal associated membrane protein 2; minus strand). Cytogenetic location: Xq24.
Variant type: single nucleotide variant.
Coding change: c.1093+17C>T on transcript NM_002294.3 (MANE Select); 17 bases into the intron after coding-DNA position 1093, C replaced by T.
Molecular consequence: intron variant.
Genome position (GRCh38, 1-based): chrX:120,441,713, G>A on the plus strand (C>T on the coding strand, the complement: LAMP2 is on the minus strand). VCF-style: chrX-120441713-G-A. GRCh37 (hg19) VCF-style: chrX-119575568-G-A.
Other names: c.1093+17C>T (NM_001122606.1, NM_013995.2).
Identifiers: ClinVar variation 383849 (VCV000383849.1), dbSNP rs1057521759, ClinGen allele CA16609118.
Genomic context (GRCh38, chrX:120,441,713, plus strand): 5'-AATGTCTATGATTCAAAGGAAAAGCCACCTGTCAACATAAGAACATAAATTATTAATGAA[G>A]TTTGCTTGATTCTTACCTGTAGAATACTTTCCTTGTGTCACATTGAAAGGCTGAACCCTT-3'